The following is an entry in ClinVar:

ClinVar aggregate classification (germline): Uncertain significance (1 of 4 stars; one submission).

Allele frequency attached by ClinVar (database versions not stated): gnomAD exomes below 0.00001; TOPMed 0.00001.
gnomAD v4.1: 1 of 1,613,836 alleles (0.000062%); highest among the groups gnomAD compares: East Asian, 0.0022%; no homozygotes.

Submission:

GeneDx
Classification: Uncertain significance. Last evaluated: 2022-12-28. Review status: criteria provided, single submitter. Criteria: GeneDx Variant Classification Process June 2021. Collection method: clinical testing. Allele origin: germline. Affected: yes.
Comment: In silico analysis supports that this missense variant has a deleterious effect on protein structure/function; Has not been previously published as pathogenic or benign to our knowledge

NM_000540.3(RYR1):c.4472G>A (p.Cys1491Tyr)

Gene: RYR1 (ryanodine receptor 1; plus strand). Cytogenetic location: 19q13.2.
Variant type: single nucleotide variant.
Coding change: c.4472G>A on transcript NM_000540.3 (MANE Select); coding-DNA position 4472, G replaced by A.
Protein change: p.Cys1491Tyr; replaces cysteine 1491 with tyrosine.
Molecular consequence: missense variant.
Genome position (GRCh38, 1-based): chr19:38,478,452, G>A. VCF-style: chr19-38478452-G-A. GRCh37 (hg19) VCF-style: chr19-38969092-G-A.
Other names: c.4472G>A, p.Cys1491Tyr (NM_001042723.2); short protein forms C1491Y.
Identifiers: ClinVar variation 2507269 (VCV002507269.1), dbSNP rs1408050952, ClinGen allele CA405646803.